The following is an entry in ClinVar:

ClinVar aggregate classification (germline): Likely benign (1 of 4 stars; one submission).

Allele frequency attached by ClinVar (database versions not stated): gnomAD 0.00001; gnomAD exomes 0.00001; TOPMed 0.00002.
gnomAD v4.1: 14 of 1,209,207 alleles (0.0012%); highest among the groups gnomAD compares: African/African-American, 0.0018%; no homozygotes.

Submission:

CeGaT Center for Human Genetics Tuebingen
Classification: Likely benign. Last evaluated: 2022-12-01. Review status: criteria provided, single submitter. Criteria: CeGaT Center For Human Genetics Tuebingen Variant Classification Criteria Version 2. Collection method: clinical testing. Allele origin: germline. Affected: yes. Observed: 1 variant allele.
Comment: AMELX: BP4, BP7

NM_001142.2(AMELX):c.126C>T (p.Tyr42=)

Genes: AMELX (amelogenin X-linked; plus strand), ARHGAP6 (Rho GTPase activating protein 6; minus strand). Cytogenetic location: Xp22.2.
Variant type: single nucleotide variant.
Coding change: c.126C>T on transcript NM_001142.2 (MANE Select); coding-DNA position 126, C replaced by T.
Protein change: p.Tyr42=; no amino-acid change (tyrosine 42 retained).
Molecular consequence: synonymous variant. On other transcripts: intron variant (3).
Genome position (GRCh38, 1-based): chrX:11,298,259, C>T. VCF-style: chrX-11298259-C-T. GRCh37 (hg19) VCF-style: chrX-11316379-C-T.
Other names: c.168C>T, p.Tyr56= (NM_182680.1); c.78C>T, p.Tyr26= (NM_182681.1); c.589-43552G>A (NM_013427.3, NM_006125.3); c.49-43552G>A (NM_001287242.2).
Identifiers: ClinVar variation 2659988 (VCV002659988.24), dbSNP rs1274662505, ClinGen allele CA515630056.